The following is an entry in ClinVar:

ClinVar aggregate classification (germline): Uncertain significance (0 of 4 stars; one submission).

Conditions:
RIPOR2-related disorder. Also called: RIPOR2-related condition.

gnomAD v4.1: 4 of 1,551,918 alleles (0.00026%); highest among the groups gnomAD compares: Non-Finnish European, 0.00035%; no homozygotes.

Submission:

PreventionGenetics, part of Exact Sciences
Classification: Uncertain significance for RIPOR2-related condition. Last evaluated: 2024-07-03. Review status: no assertion criteria provided. Collection method: clinical testing. Allele origin: germline.
Comment: The RIPOR2 c.1962T>A variant is predicted to result in the amino acid substitution p.Ser654Arg. To our knowledge, this variant has not been reported in the literature or in a large population database, indicating this variant is rare. At this time, the clinical significance of this variant is uncertain due to the absence of conclusive functional and genetic evidence.

NM_001286445.3(RIPOR2):c.1899T>A (p.Ser633Arg)

Gene: RIPOR2 (RHO family interacting cell polarization regulator 2; minus strand). Cytogenetic location: 6p22.3.
Variant type: single nucleotide variant.
Coding change: c.1899T>A on transcript NM_001286445.3 (MANE Select); coding-DNA position 1899, T replaced by A.
Protein change: p.Ser633Arg; replaces serine 633 with arginine.
Molecular consequence: missense variant.
Genome position (GRCh38, 1-based): chr6:24,839,231, A>T on the plus strand (T>A on the coding strand, the complement: RIPOR2 is on the minus strand). VCF-style: chr6-24839231-A-T. GRCh37 (hg19) VCF-style: chr6-24839459-A-T.
Other names: c.1812T>A, p.Ser604Arg (NM_001346031.2, NM_001346032.2); c.1962T>A, p.Ser654Arg (NM_014722.5); short protein forms S604R, S633R, S654R.
Identifiers: ClinVar variation 3344913 (VCV003344913.1).